The following is an entry in ClinVar:

NM_001039660.2(IL18BP):c.508-1G>A

Gene: IL18BP (interleukin 18 binding protein; plus strand). Cytogenetic location: 11q13.4.
Variant type: single nucleotide variant.
Coding change: c.508-1G>A on transcript NM_001039660.2 (MANE Select); the canonical splice acceptor site of the intron before coding-DNA position 508, G replaced by A.
Molecular consequence: splice acceptor variant. On other transcripts: 3 prime UTR variant (1).
Genome position (GRCh38, 1-based): chr11:72,001,783, G>A. VCF-style: chr11-72001783-G-A. GRCh37 (hg19) VCF-style: chr11-71712829-G-A.
Other names: c.*138G>A (NM_005699.3); c.508-1G>A (NM_001039659.2, NM_173042.2, NM_001145057.1); c.380-1G>A (NM_173044.3); c.236-1G>A (NM_001145055.1).
Identifiers: ClinVar variation 2790449 (VCV002790449.3), dbSNP rs778813643, ClinGen allele CA6166296.
Genomic context (GRCh38, chr11:72,001,783, plus strand): 5'-CAAAGTGATGAGATGTCCCTCCTTTCCTTGGCCTGATCCTTGTCTGCCTTCACTTCCCTA[G>A]GCTGGGCTGAGGGCAACCTTGCCCCCCACCCAAGAAGCCCTGCCCTCCAGCCACAGCAGT-3'

ClinVar aggregate classification (germline): Uncertain significance (1 of 4 stars; one submission).

Allele frequency attached by ClinVar (database versions not stated): gnomAD exomes 0.00001; ExAC 0.00002.
gnomAD v4.1: 8 of 1,614,104 alleles (0.0005%); highest among the groups gnomAD compares: South Asian, 0.0088%; no homozygotes.

Submission:

Labcorp Genetics (formerly Invitae), Labcorp
Classification: Uncertain significance. Last evaluated: 2023-03-09. Review status: criteria provided, single submitter. Criteria: Invitae Variant Classification Sherloc (09022015). Collection method: clinical testing. Allele origin: germline.
Comment: In summary, the available evidence is currently insufficient to determine the role of this variant in disease. Therefore, it has been classified as a Variant of Uncertain Significance. Variants that disrupt the consensus splice site are a relatively common cause of aberrant splicing (PMID: 17576681, 9536098). This variant has not been reported in the literature in individuals affected with IL18BP-related conditions. This variant is present in population databases (rs778813643, gnomAD 0.006%). This sequence change falls in intron 4 of the IL18BP gene. It does not directly change the encoded amino acid sequence of the IL18BP protein. It affects a nucleotide within the consensus splice site.

Literature cited by the submitters: PubMed 17576681; PubMed 9536098.